The following is an entry in ClinVar:

NM_015001.3(SPEN):c.4929A>G (p.Thr1643=)

Gene: SPEN (spen family transcriptional repressor; plus strand). Cytogenetic location: 1p36.13.
Variant type: single nucleotide variant.
Coding change: c.4929A>G on transcript NM_015001.3 (MANE Select); coding-DNA position 4929, A replaced by G.
Protein change: p.Thr1643=; no amino-acid change (threonine 1643 retained).
Molecular consequence: synonymous variant.
Genome position (GRCh38, 1-based): chr1:15,931,169, A>G. VCF-style: chr1-15931169-A-G. GRCh37 (hg19) VCF-style: chr1-16257664-A-G.
Identifiers: ClinVar variation 2638318 (VCV002638318.24), dbSNP rs2523081361, ClinGen allele CA416380470.
Genomic context (GRCh38, chr1:15,931,169, plus strand): 5'-TCCTGAGAATAAAGATTCAGAACTGAAAACTCCACCTTCCGTTGGGCCTCCAAGTGTCAC[A>G]GTCGTAACTCTAGAATCAGCCCCATCAGCACTAGAGAAGACCACTGGTGACAAAACGGTA-3'
Protein context (NP_055816.2, residues 1633-1653): TPPSVGPPSV[Thr1643=]VVTLESAPSA

ClinVar aggregate classification (germline): Likely benign (1 of 4 stars; one submission).

gnomAD v4.1: 1 of 1,614,250 alleles (0.000062%); highest among the groups gnomAD compares: Middle Eastern, 0.016%; no homozygotes.

Submission:

CeGaT Center for Human Genetics Tuebingen
Classification: Likely benign. Last evaluated: 2023-10-01. Review status: criteria provided, single submitter. Criteria: CeGaT Center For Human Genetics Tuebingen Variant Classification Criteria Version 2. Collection method: clinical testing. Allele origin: germline. Affected: yes. Observed: 1 variant allele.
Comment: SPEN: PM2:Supporting, BP4, BP7